The following is an entry in ClinVar:

NM_000194.2(HPRT1):c.389T>A (p.Val130Asp)

Gene: HPRT1 (hypoxanthine phosphoribosyltransferase 1; plus strand). Cytogenetic location: Xq26.2.
Variant type: single nucleotide variant.
Coding change: c.389T>A on transcript NM_000194.2; coding-DNA position 389, T replaced by A.
Protein change: p.Val130Asp; replaces valine 130 with aspartic acid.
Molecular consequence: missense variant (on NM_000194.3).
Genome position (GRCh38, 1-based): chrX:134,490,192, T>A. VCF-style: chrX-134490192-T-A. GRCh37 (hg19) VCF-style: chrX-133624222-T-A.
Other names: c.389T>A, p.Val130Asp (NM_000194.3); short protein forms V130D.
Identifiers: ClinVar variation 10040 (VCV000010040.3), dbSNP rs137852483, ClinGen allele CA120895.

ClinVar aggregate classification (germline): Pathogenic. Review status: criteria provided, single submitter (1 of 4 stars). 3 submissions from 2 submitters: Pathogenic (1). 2 of the submissions do not count toward it. Last evaluated 2025-02-11.

Conditions:
HPRT MIDLAND.
Lesch-Nyhan syndrome (LNS). Also called: HPRT DEFICIENCY, COMPLETE; Lesch-Nyhan Disease (LND). Identifiers: Orphanet 510, MedGen C0023374, MONDO:0010298, OMIM 300322.

Submissions (3):

3billion
Classification: Pathogenic for Lesch-Nyhan syndrome. Last evaluated: 2025-02-11. Review status: criteria provided, single submitter. Criteria: ACMG Guidelines, 2015. Collection method: clinical testing. Allele origin: germline. Affected: yes.
Comment: The variant is not observed in the gnomAD v4.1.0 dataset. Predicted Consequence/Location: Missense variant Functional studies provide strong evidence of the variant having a damaging effect on the gene or gene product (PMID: 3384338). In silico tool predictions suggest damaging effect of the variant on gene or gene product [REVEL: 0.87 (>=0.6, sensitivity 0.68 and specificity 0.92); 3Cnet: 0.99 (>=0.6, sensitivity 0.72 and precision 0.9)]. The same nucleotide change resulting in the same amino acid change has been previously reported to be associated with HPRT1-related disorder (ClinVar ID: VCV000010040 /PMID: 3265398 /3billion dataset). Therefore, this variant is classified as Pathogenic according to the recommendation of ACMG/AMP guideline.

OMIM
Classification: other for HPRT MIDLAND. Last evaluated: 2017-09-26. Review status: no assertion criteria provided. Collection method: literature only. Allele origin: germline. Not counted in ClinVar's aggregate classification.

OMIM
Classification: Pathogenic for LESCH-NYHAN SYNDROME. Last evaluated: 1989-03-01. Review status: no assertion criteria provided. Collection method: literature only. Allele origin: germline. Not counted in ClinVar's aggregate classification.

Literature cited by the submitters: PubMed 3384338 (cited by 3billion and OMIM); PubMed 3265398 (cited by 3billion); PubMed 2928313 (cited by OMIM).